The following is an entry in ClinVar:

NM_001042492.3(NF1):c.288+41G>A

Gene: NF1 (neurofibromin 1; plus strand). Cytogenetic location: 17q11.2.
Variant type: single nucleotide variant.
Coding change: c.288+41G>A on transcript NM_001042492.3 (MANE Select); 41 bases into the intron after coding-DNA position 288, G replaced by A.
Molecular consequence: intron variant.
Genome position (GRCh38, 1-based): chr17:31,159,134, G>A. VCF-style: chr17-31159134-G-A. GRCh37 (hg19) VCF-style: chr17-29486152-G-A.
Other names: c.288+41G>A (NM_000267.4, NM_001128147.3).
Identifiers: ClinVar variation 257283 (VCV000257283.16), dbSNP rs2952976, ClinGen allele CA8485515.

ClinVar aggregate classification (germline): Benign. Review status: criteria provided, multiple submitters, no conflicts (2 of 4 stars). 8 submissions from 7 submitters: Benign (8). Last evaluated 2025-07-10.

Conditions:
Hereditary cancer-predisposing syndrome. Also called: Neoplastic Syndromes, Hereditary; Hereditary neoplastic syndrome; Hereditary Cancer Syndrome; Tumor predisposition. Identifiers: Orphanet 140162, MedGen C0027672, MeSH D009386, MONDO:0015356.
Neurofibromatosis, familial spinal (FSNF). Identifiers: Orphanet 636, MedGen C1834235, MONDO:0008078, OMIM 162210. Disease mechanism: loss of function.
Neurofibromatosis, type 1 (NF1). Also called: NEUROFIBROMATOSIS, TYPE I, SOMATIC; Neurofibromatosis, type I; VON RECKLINGHAUSEN DISEASE; Peripheral type neurofibromatosis. Identifiers: Orphanet 636, MedGen C0027831, MONDO:0018975, OMIM 162200. Disease mechanism: loss of function.

Allele frequency attached by ClinVar (database versions not stated): 1000 Genomes Project 30x 0.50187; 1000 Genomes Project 0.50978; TOPMed 0.55345; gnomAD 0.56461 and 0.56829; ESP Exome Variant Server 0.57414; ExAC 0.62300; gnomAD exomes 0.62616 and 0.67261.
gnomAD v4.1: 897,450 of 1,357,778 alleles (66%); highest among the groups gnomAD compares: Middle Eastern, 77%; 303,792 homozygotes.

Submissions (8):

GeneKor MSA
Classification: Benign for Hereditary cancer-predisposing syndrome. Last evaluated: 2025-07-10. Review status: criteria provided, single submitter. Criteria: ACMG Guidelines, 2015. Collection method: clinical testing. Allele origin: germline.

KCCC/NGS Laboratory, Kuwait Cancer Control Center
Classification: Benign for Neurofibromatosis, type 1. Last evaluated: 2025-02-01. Review status: criteria provided, single submitter. Criteria: ACMG Guidelines, 2015. Collection method: clinical testing. Allele origin: germline. Affected: no.

KCCC/NGS Laboratory, Kuwait Cancer Control Center
Classification: Benign for Neurofibromatosis, familial spinal. Last evaluated: 2023-07-07. Review status: criteria provided, single submitter. Criteria: ACMG Guidelines, 2015. Collection method: clinical testing. Allele origin: germline. Affected: yes.

Genome-Nilou Lab
Classification: Benign for Neurofibromatosis, type 1. Last evaluated: 2021-09-05. Review status: criteria provided, single submitter. Criteria: ACMG Guidelines, 2015. Collection method: clinical testing. Allele origin: germline. Affected: no.

ARUP Laboratories, Molecular Genetics and Genomics, ARUP Laboratories
Classification: Benign. Last evaluated: 2018-09-14. Review status: criteria provided, single submitter. Criteria: ARUP Molecular Germline Variant Investigation Process. Collection method: clinical testing. Allele origin: germline.

GeneDx
Classification: Benign. Last evaluated: 2018-06-20. Review status: criteria provided, single submitter. Criteria: GeneDx Variant Classification (06012015). Collection method: clinical testing. Allele origin: germline. Affected: yes.
Comment: This variant is considered likely benign or benign based on one or more of the following criteria: it is a conservative change, it occurs at a poorly conserved position in the protein, it is predicted to be benign by multiple in silico algorithms, and/or has population frequency not consistent with disease.

Breakthrough Genomics
Classification: Benign. Review status: criteria provided, single submitter. Criteria: ACMG Guidelines, 2015. Collection method: not provided. Allele origin: germline. Inheritance: Autosomal dominant inheritance. Affected: yes.

PreventionGenetics, part of Exact Sciences
Classification: Benign. Review status: criteria provided, single submitter. Criteria: ACMG Guidelines, 2015. Collection method: clinical testing. Allele origin: germline.